The following is an entry in ClinVar:

NM_001127208.3(TET2):c.4429G>T (p.Glu1477Ter)

Genes: TET2 (tet methylcytosine dioxygenase 2; plus strand), TET2-AS1 (TET2 antisense RNA 1; minus strand). Cytogenetic location: 4q24.
Variant type: single nucleotide variant.
Coding change: c.4429G>T on transcript NM_001127208.3 (MANE Select); coding-DNA position 4429, G replaced by T.
Protein change: p.Glu1477Ter; replaces glutamic acid 1477 with a stop codon.
Molecular consequence: nonsense.
Genome position (GRCh38, 1-based): chr4:105,272,810, G>T. VCF-style: chr4-105272810-G-T. GRCh37 (hg19) VCF-style: chr4-106193967-G-T.
Other names: short protein forms E1477*.
Identifiers: ClinVar variation 2752962 (VCV002752962.3), dbSNP rs2476726335, ClinGen allele CA357811761.
Genomic context (GRCh38, chr4:105,272,810, plus strand): 5'-TTAGCAGAGCCAGTCAAGACTTGCCGACAAAGGAAACTAGAAGCCAAGAAAGCTGCAGCT[G>T]AAAAGCTTTCCTCCCTGGAGAACAGCTCAAATAAAAATGAAAAGGAAAAGTCAGCCCCAT-3'

ClinVar aggregate classification (germline): Pathogenic (1 of 4 stars; one submission).

Submission:

Labcorp Genetics (formerly Invitae), Labcorp
Classification: Pathogenic. Last evaluated: 2023-08-16. Review status: criteria provided, single submitter. Criteria: Invitae Variant Classification Sherloc (09022015). Collection method: clinical testing. Allele origin: germline.
Comment: This sequence change creates a premature translational stop signal (p.Glu1477*) in the TET2 gene. It is expected to result in an absent or disrupted protein product. Loss-of-function variants in TET2 are known to be pathogenic (PMID: 36066697). This variant is not present in population databases (gnomAD no frequency). This variant has not been reported in the literature in individuals affected with TET2-related conditions. Algorithms developed to predict the effect of sequence changes on RNA splicing suggest that this variant may create or strengthen a splice site. For these reasons, this variant has been classified as Pathogenic.

Literature cited by the submitters: PubMed 36066697.